The following is an entry in ClinVar:

NM_000747.3(CHRNB1):c.305G>T (p.Arg102Leu)

Gene: CHRNB1 (cholinergic receptor nicotinic beta 1 subunit; plus strand). Cytogenetic location: 17p13.1.
Variant type: single nucleotide variant.
Coding change: c.305G>T on transcript NM_000747.3 (MANE Select); coding-DNA position 305, G replaced by T.
Protein change: p.Arg102Leu; replaces arginine 102 with leucine.
Molecular consequence: missense variant.
Genome position (GRCh38, 1-based): chr17:7,446,894, G>T. VCF-style: chr17-7446894-G-T. GRCh37 (hg19) VCF-style: chr17-7350213-G-T.
Other names: short protein forms R102L.
Identifiers: ClinVar variation 1437887 (VCV001437887.8), dbSNP rs201915086, ClinGen allele CA397790492.

ClinVar aggregate classification (germline): Uncertain significance (1 of 4 stars; one submission).

Conditions:
Congenital myasthenic syndrome 2A. Also called: Myasthenic syndrome, congenital, 2a, slow-channel. Identifiers: Orphanet 590, MedGen C4225374, MONDO:0014581, OMIM 616313.

gnomAD v4.1: 5 of 1,613,932 alleles (0.00031%); highest among the groups gnomAD compares: Middle Eastern, 0.033%; no homozygotes.

Submission:

Labcorp Genetics (formerly Invitae), Labcorp
Classification: Uncertain significance for Congenital myasthenic syndrome 2A. Last evaluated: 2021-05-31. Review status: criteria provided, single submitter. Criteria: Invitae Variant Classification Sherloc (09022015). Collection method: clinical testing. Allele origin: germline.
Comment: In summary, the available evidence is currently insufficient to determine the role of this variant in disease. Therefore, it has been classified as a Variant of Uncertain Significance. This variant has not been reported in the literature in individuals with CHRNB1-related conditions. Advanced modeling of protein sequence and biophysical properties (such as structural, functional, and spatial information, amino acid conservation, physicochemical variation, residue mobility, and thermodynamic stability) performed at Invitae indicates that this missense variant is expected to disrupt CHRNB1 protein function. This variant is not present in population databases (ExAC no frequency). This sequence change replaces arginine with leucine at codon 102 of the CHRNB1 protein (p.Arg102Leu). The arginine residue is moderately conserved and there is a moderate physicochemical difference between arginine and leucine.